The following is an entry in ClinVar:

NM_001042492.3(NF1):c.101T>G (p.Val34Gly)

Gene: NF1 (neurofibromin 1; plus strand). Cytogenetic location: 17q11.2.
Variant type: single nucleotide variant.
Coding change: c.101T>G on transcript NM_001042492.3 (MANE Select); coding-DNA position 101, T replaced by G.
Protein change: p.Val34Gly; replaces valine 34 with glycine.
Molecular consequence: missense variant.
Genome position (GRCh38, 1-based): chr17:31,156,023, T>G. VCF-style: chr17-31156023-T-G. GRCh37 (hg19) VCF-style: chr17-29483041-T-G.
Other names: c.101T>G, p.Val34Gly (NM_001128147.3, NM_000267.4); short protein forms V34G.
Identifiers: ClinVar variation 2698293 (VCV002698293.3), dbSNP rs1217358160, ClinGen allele CA398988233.

ClinVar aggregate classification (germline): Uncertain significance (1 of 4 stars; one submission).

Conditions:
Neurofibromatosis, type 1 (NF1). Also called: Peripheral type neurofibromatosis; VON RECKLINGHAUSEN DISEASE; Neurofibromatosis, type I; NEUROFIBROMATOSIS, TYPE I, SOMATIC. Identifiers: Orphanet 636, MedGen C0027831, MONDO:0018975, OMIM 162200. Disease mechanism: loss of function.

Allele frequency attached by ClinVar (database versions not stated): gnomAD exomes below 0.00001.
gnomAD v4.1: 1 of 1,613,688 alleles (0.000062%); highest among the groups gnomAD compares: Non-Finnish European, 0.000085%; no homozygotes.

Submission:

Labcorp Genetics (formerly Invitae), Labcorp
Classification: Uncertain significance for Neurofibromatosis, type 1. Last evaluated: 2023-11-24. Review status: criteria provided, single submitter. Criteria: Invitae Variant Classification Sherloc (09022015). Collection method: clinical testing. Allele origin: germline.
Comment: This sequence change replaces valine, which is neutral and non-polar, with glycine, which is neutral and non-polar, at codon 34 of the NF1 protein (p.Val34Gly). This variant is present in population databases (no rsID available, gnomAD 0.0009%). This variant has not been reported in the literature in individuals affected with NF1-related conditions. Advanced modeling of protein sequence and biophysical properties (such as structural, functional, and spatial information, amino acid conservation, physicochemical variation, residue mobility, and thermodynamic stability) has been performed at Invitae for this missense variant, however the output from this modeling did not meet the statistical confidence thresholds required to predict the impact of this variant on NF1 protein function. In summary, the available evidence is currently insufficient to determine the role of this variant in disease. Therefore, it has been classified as a Variant of Uncertain Significance.